The following is an entry in ClinVar:

ClinVar aggregate classification (germline): Uncertain significance. Review status: criteria provided, multiple submitters, no conflicts (2 of 4 stars). 2 submissions from 2 submitters: Uncertain significance (2). Last evaluated 2022-06-14.

Allele frequency attached by ClinVar (database versions not stated): gnomAD 0.00001; gnomAD exomes 0.00004 and 0.00007; ExAC 0.00009.
gnomAD v4.1: 54 of 1,613,698 alleles (0.0033%); highest among the groups gnomAD compares: South Asian, 0.042%; 1 homozygote.

Submissions (2):

Blueprint Genetics
Classification: Uncertain significance. Last evaluated: 2022-06-14. Review status: criteria provided, single submitter. Criteria: ACMG Guidelines, 2015. Collection method: clinical testing. Allele origin: germline.

Labcorp Genetics (formerly Invitae), Labcorp
Classification: Uncertain significance. Last evaluated: 2022-04-30. Review status: criteria provided, single submitter. Criteria: Invitae Variant Classification Sherloc (09022015). Collection method: clinical testing. Allele origin: germline.
Comment: This sequence change replaces arginine, which is basic and polar, with histidine, which is basic and polar, at codon 562 of the USH2A protein (p.Arg562His). This variant is present in population databases (rs756426298, gnomAD 0.06%). This variant has not been reported in the literature in individuals affected with USH2A-related conditions. Algorithms developed to predict the effect of missense changes on protein structure and function output the following: SIFT: "Deleterious"; PolyPhen-2: "Benign"; Align-GVGD: "Class C0". The histidine amino acid residue is found in multiple mammalian species, which suggests that this missense change does not adversely affect protein function. In summary, the available evidence is currently insufficient to determine the role of this variant in disease. Therefore, it has been classified as a Variant of Uncertain Significance.

NM_206933.4(USH2A):c.1685G>A (p.Arg562His)

Gene: USH2A (usherin; minus strand). Cytogenetic location: 1q41.
Variant type: single nucleotide variant.
Coding change: c.1685G>A on transcript NM_206933.4 (MANE Select); coding-DNA position 1685, G replaced by A.
Protein change: p.Arg562His; replaces arginine 562 with histidine.
Molecular consequence: missense variant.
Genome position (GRCh38, 1-based): chr1:216,292,330, C>T on the plus strand (G>A on the coding strand, the complement: USH2A is on the minus strand). VCF-style: chr1-216292330-C-T. GRCh37 (hg19) VCF-style: chr1-216465672-C-T.
Other names: c.1685G>A, p.Arg562His (NM_007123.6); short protein forms R562H.
Identifiers: ClinVar variation 1379190 (VCV001379190.4), dbSNP rs756426298, ClinGen allele CA1396424.